The following is an entry in ClinVar:

NM_002661.5(PLCG2):c.733G>T (p.Asp245Tyr)

Gene: PLCG2 (phospholipase C gamma 2; plus strand). Cytogenetic location: 16q23.3.
Variant type: single nucleotide variant.
Coding change: c.733G>T on transcript NM_002661.5 (MANE Select); coding-DNA position 733, G replaced by T.
Protein change: p.Asp245Tyr; replaces aspartic acid 245 with tyrosine.
Molecular consequence: missense variant.
Genome position (GRCh38, 1-based): chr16:81,883,309, G>T. VCF-style: chr16-81883309-G-T. GRCh37 (hg19) VCF-style: chr16-81916914-G-T.
Other names: short protein forms D245Y.
Identifiers: ClinVar variation 1415181 (VCV001415181.8), dbSNP rs2143576325, ClinGen allele CA396908329.

ClinVar aggregate classification (germline): Uncertain significance (1 of 4 stars; one submission).

Conditions:
Familial cold autoinflammatory syndrome 3 (FCAS3). Also called: ANTIBODY DEFICIENCY AND IMMUNE DYSREGULATION, PLCG2-ASSOCIATED; FAMILIAL ATYPICAL COLD URTICARIA. Identifiers: Orphanet 300359, MedGen C3280914, MONDO:0013766, OMIM 614468.

Allele frequency attached by ClinVar (database versions not stated): gnomAD exomes below 0.00001.
gnomAD v4.1: 1 of 1,614,162 alleles (0.000062%); highest among the groups gnomAD compares: South Asian, 0.0011%; no homozygotes.

Submission:

Labcorp Genetics (formerly Invitae), Labcorp
Classification: Uncertain significance for Familial cold autoinflammatory syndrome 3. Last evaluated: 2021-05-05. Review status: criteria provided, single submitter. Criteria: Invitae Variant Classification Sherloc (09022015). Collection method: clinical testing. Allele origin: germline.
Comment: In summary, the available evidence is currently insufficient to determine the role of this variant in disease. Therefore, it has been classified as a Variant of Uncertain Significance. This sequence change replaces aspartic acid with tyrosine at codon 245 of the PLCG2 protein (p.Asp245Tyr). The aspartic acid residue is highly conserved and there is a large physicochemical difference between aspartic acid and tyrosine. This variant is not present in population databases (ExAC no frequency). This variant has not been reported in the literature in individuals with PLCG2-related conditions. Algorithms developed to predict the effect of missense changes on protein structure and function (SIFT, PolyPhen-2, Align-GVGD) all suggest that this variant is likely to be disruptive, but these predictions have not been confirmed by published functional studies and their clinical significance is uncertain.